The following is an entry in ClinVar:

ClinVar aggregate classification (germline): Likely benign. Review status: criteria provided, multiple submitters, no conflicts (2 of 4 stars). 3 submissions from 3 submitters: Likely benign (3). Last evaluated 2025-08-11.

Conditions:
PRDM13-related disorder. Also called: PRDM13-related condition.

Allele frequency attached by ClinVar (database versions not stated): 1000 Genomes Project 30x 0.00031; gnomAD exomes 0.00006; ExAC 0.00011.
gnomAD v4.1: 58 of 1,595,998 alleles (0.0036%); highest among the groups gnomAD compares: African/African-American, 0.067%; no homozygotes.

Submissions (3):

PreventionGenetics, part of Exact Sciences
Classification: Likely benign for PRDM13-related condition. Last evaluated: 2025-08-11. Review status: criteria provided, single submitter. Criteria: ACMG Guidelines, 2015. Collection method: clinical testing. Allele origin: germline.
Comment: This variant is classified as likely benign based on ACMG/AMP sequence variant interpretation guidelines (Richards et al. 2015 PMID: 25741868, with internal and published modifications).

Labcorp Genetics (formerly Invitae), Labcorp
Classification: Likely benign. Last evaluated: 2025-07-28. Review status: criteria provided, single submitter. Criteria: Invitae Variant Classification Sherloc (09022015). Collection method: clinical testing. Allele origin: germline.

Blueprint Genetics
Classification: Likely benign. Last evaluated: 2024-06-13. Review status: criteria provided, single submitter. Criteria: ACMG Guidelines, 2015. Collection method: clinical testing. Allele origin: germline.

NM_021620.4(PRDM13):c.636C>G (p.Pro212=)

Gene: PRDM13 (PR/SET domain 13; plus strand). Cytogenetic location: 6q16.2.
Variant type: single nucleotide variant.
Coding change: c.636C>G on transcript NM_021620.4 (MANE Select); coding-DNA position 636, C replaced by G.
Protein change: p.Pro212=; no amino-acid change (proline 212 retained).
Molecular consequence: synonymous variant.
Genome position (GRCh38, 1-based): chr6:99,613,271, C>G. VCF-style: chr6-99613271-C-G. GRCh37 (hg19) VCF-style: chr6-100061147-C-G.
Other names: c.636C>G (NM_021620.3).
Identifiers: ClinVar variation 1102693 (VCV001102693.11), dbSNP rs775515947, ClinGen allele CA3936249.
Genomic context (GRCh38, chr6:99,613,271, plus strand): 5'-AAAACCCCCGGCGCCCGATTTCGCCGCGCCTTCCCAGGCAGGAACTTTGCGACCCCACCC[C>G]CTGGGCCCGCCACCAGTTCAGGCCTGCGGTGCGCGGGAGGGCATCAAGCGCGAGGCCTCT-3'
Protein context (NP_067633.2, residues 202-222): PSQAGTLRPH[Pro212=]LGPPPVQACG